The following is an entry in ClinVar:

ClinVar aggregate classification (germline): Uncertain significance. Review status: criteria provided, multiple submitters, no conflicts (2 of 4 stars). 3 submissions from 3 submitters: Uncertain significance (3). Last evaluated 2025-08-14.

Conditions:
Fanconi anemia (FA). Also called: Fanconi's anemia. Identifiers: Orphanet 84, MedGen C0015625, MeSH D005199, MONDO:0019391.
Inborn genetic diseases. Identifiers: MedGen C0950123, MeSH D030342.
Fanconi anemia complementation group P. Also called: SLX4-Related Fanconi Anemia. Identifiers: Orphanet 84, MedGen C3469542, MONDO:0013499, OMIM 613951.

Allele frequency attached by ClinVar (database versions not stated): gnomAD exomes below 0.00001 and 0.00001; TOPMed below 0.00001; gnomAD 0.00001.
gnomAD v4.1: 6 of 1,613,464 alleles (0.00037%); highest among the groups gnomAD compares: Non-Finnish European, 0.00051%; no homozygotes.

Submissions (3):

Ambry Genetics
Classification: Uncertain significance for Inborn genetic diseases. Last evaluated: 2025-08-14. Review status: criteria provided, single submitter. Criteria: Ambry Variant Classification Scheme 2023. Collection method: clinical testing. Allele origin: germline.

Fulgent Genetics
Classification: Uncertain significance for Fanconi anemia complementation group P. Last evaluated: 2024-04-11. Review status: criteria provided, single submitter. Criteria: ACMG Guidelines, 2015. Collection method: clinical testing. Allele origin: germline.

Labcorp Genetics (formerly Invitae), Labcorp
Classification: Uncertain significance for Fanconi anemia. Last evaluated: 2022-10-27. Review status: criteria provided, single submitter. Criteria: Invitae Variant Classification Sherloc (09022015). Collection method: clinical testing. Allele origin: germline.
Comment: Algorithms developed to predict the effect of missense changes on protein structure and function are either unavailable or do not agree on the potential impact of this missense change (SIFT: "Tolerated"; PolyPhen-2: "Possibly Damaging"; Align-GVGD: "Class C15"). ClinVar contains an entry for this variant (Variation ID: 1434387). This variant has not been reported in the literature in individuals affected with SLX4-related conditions. This variant is present in population databases (rs200262630, gnomAD 0.0009%). This sequence change replaces serine, which is neutral and polar, with arginine, which is basic and polar, at codon 1741 of the SLX4 protein (p.Ser1741Arg). In summary, the available evidence is currently insufficient to determine the role of this variant in disease. Therefore, it has been classified as a Variant of Uncertain Significance.

NM_032444.4(SLX4):c.5223T>G (p.Ser1741Arg)

Gene: SLX4 (SLX4 structure-specific endonuclease subunit; minus strand). Cytogenetic location: 16p13.3.
Variant type: single nucleotide variant.
Coding change: c.5223T>G on transcript NM_032444.4 (MANE Select); coding-DNA position 5223, T replaced by G.
Protein change: p.Ser1741Arg; replaces serine 1741 with arginine.
Molecular consequence: missense variant.
Genome position (GRCh38, 1-based): chr16:3,582,624, A>C on the plus strand (T>G on the coding strand, the complement: SLX4 is on the minus strand). VCF-style: chr16-3582624-A-C. GRCh37 (hg19) VCF-style: chr16-3632625-A-C.
Other names: c.5223T>G (NM_032444.2); short protein forms S1741R.
Identifiers: ClinVar variation 1434387 (VCV001434387.9), dbSNP rs200262630, ClinGen allele CA276952102.